The following is an entry in ClinVar:

NM_014141.6(CNTNAP2):c.2410C>T (p.Pro804Ser)

Gene: CNTNAP2 (contactin associated protein 2; plus strand). Cytogenetic location: 7q35.
Variant type: single nucleotide variant.
Coding change: c.2410C>T on transcript NM_014141.6 (MANE Select); coding-DNA position 2410, C replaced by T.
Protein change: p.Pro804Ser; replaces proline 804 with serine.
Molecular consequence: missense variant.
Genome position (GRCh38, 1-based): chr7:148,118,144, C>T. VCF-style: chr7-148118144-C-T. GRCh37 (hg19) VCF-style: chr7-147815236-C-T.
Other names: short protein forms P804S.
Identifiers: ClinVar variation 1439649 (VCV001439649.8), dbSNP rs2116608255, ClinGen allele CA369927214.

ClinVar aggregate classification (germline): Uncertain significance (1 of 4 stars; one submission).

Conditions:
Cortical dysplasia-focal epilepsy syndrome (PTHSL1). Also called: Pitt-Hopkins-like syndrome 1. Identifiers: Orphanet 163681, Orphanet 221150, MedGen C2750246, MONDO:0012400, OMIM 610042.

Allele frequency attached by ClinVar (database versions not stated): gnomAD exomes below 0.00001.
gnomAD v4.1: 1 of 1,614,086 alleles (0.000062%); highest among the groups gnomAD compares: Non-Finnish European, 0.000085%; no homozygotes.

Submission:

Labcorp Genetics (formerly Invitae), Labcorp
Classification: Uncertain significance for Cortical dysplasia-focal epilepsy syndrome. Last evaluated: 2024-02-23. Review status: criteria provided, single submitter. Criteria: Invitae Variant Classification Sherloc (09022015). Collection method: clinical testing. Allele origin: germline.
Comment: This sequence change replaces proline, which is neutral and non-polar, with serine, which is neutral and polar, at codon 804 of the CNTNAP2 protein (p.Pro804Ser). This variant is not present in population databases (gnomAD no frequency). This variant has not been reported in the literature in individuals affected with CNTNAP2-related conditions. ClinVar contains an entry for this variant (Variation ID: 1439649). An algorithm developed to predict the effect of missense changes on protein structure and function (PolyPhen-2) suggests that this variant is likely to be tolerated. In summary, the available evidence is currently insufficient to determine the role of this variant in disease. Therefore, it has been classified as a Variant of Uncertain Significance.